The following is an entry in ClinVar:

NM_006648.4(WNK2):c.500G>A (p.Arg167His)

Gene: WNK2 (WNK lysine deficient protein kinase 2; plus strand). Cytogenetic location: 9q22.31.
Variant type: single nucleotide variant.
Coding change: c.500G>A on transcript NM_006648.4 (MANE Select); coding-DNA position 500, G replaced by A.
Protein change: p.Arg167His; replaces arginine 167 with histidine.
Molecular consequence: missense variant.
Genome position (GRCh38, 1-based): chr9:93,185,429, G>A. VCF-style: chr9-93185429-G-A. GRCh37 (hg19) VCF-style: chr9-95947711-G-A.
Other names: c.500G>A, p.Arg167His (NM_001282394.3); short protein forms R167H.
Identifiers: ClinVar variation 3981944 (VCV003981944.1).
Genomic context (GRCh38, chr9:93,185,429, plus strand): 5'-CGGCGGCGACCGTGAGGAAGGAGGATGAGGGGGCGGCCGAGGCGAAGCCTGAGCCCGGGC[G>A]CACTCGCCGGGACGAGCCCGAAGAGGAGGAGGACGACGAGGACGACCTCAAGGCCGTGGC-3'
Protein context (NP_006639.3, residues 157-177): GAAEAKPEPG[Arg167His]TRRDEPEEEE

ClinVar aggregate classification (germline): Uncertain significance (1 of 4 stars; one submission).

gnomAD v4.1: 11 of 1,611,314 alleles (0.00068%); highest among the groups gnomAD compares: South Asian, 0.0055%; no homozygotes.

Submission:

Ambry Genetics
Classification: Uncertain significance. Last evaluated: 2025-04-24. Review status: criteria provided, single submitter. Criteria: Ambry Variant Classification Scheme 2023. Collection method: clinical testing. Allele origin: germline.
Comment: The p.R167H variant (also known as c.500G>A), located in coding exon 1 of the WNK2 gene, results from a G to A substitution at nucleotide position 500. The arginine at codon 167 is replaced by histidine, an amino acid with highly similar properties. This amino acid position is conserved. In addition, this alteration is predicted to be tolerated by in silico analysis. Based on the available evidence, the clinical significance of this variant remains unclear.